The following is an entry in ClinVar:

NM_001360.3(DHCR7):c.1031G>A (p.Gly344Asp)

Gene: DHCR7 (7-dehydrocholesterol reductase; minus strand). Cytogenetic location: 11q13.4.
Variant type: single nucleotide variant.
Coding change: c.1031G>A on transcript NM_001360.3 (MANE Select); coding-DNA position 1031, G replaced by A.
Protein change: p.Gly344Asp; replaces glycine 344 with aspartic acid.
Molecular consequence: missense variant.
Genome position (GRCh38, 1-based): chr11:71,435,772, C>T on the plus strand (G>A on the coding strand, the complement: DHCR7 is on the minus strand). VCF-style: chr11-71435772-C-T. GRCh37 (hg19) VCF-style: chr11-71146818-C-T.
Other names: c.1031G>A, p.Gly344Asp (NM_001163817.2); short protein forms G344D.
Identifiers: ClinVar variation 856234 (VCV000856234.7), dbSNP rs1409887214, ClinGen allele CA381702355.

ClinVar aggregate classification (germline): Uncertain significance. Review status: criteria provided, multiple submitters, no conflicts (2 of 4 stars). 3 submissions from 3 submitters: Uncertain significance (2). 1 of the submissions does not count toward it. Last evaluated 2024-10-28.

Conditions:
Smith-Lemli-Opitz syndrome (SLOS). Also called: 7-Dehydrocholesterol reductase deficiency; POLYDACTYLY, SEX REVERSAL, RENAL HYPOPLASIA, AND UNILOBAR LUNG; RSH SYNDROME; RUTLEDGE LETHAL MULTIPLE CONGENITAL ANOMALY SYNDROME; LETHAL ACRODYSGENITAL SYNDROME. Identifiers: Orphanet 818, MedGen C0175694, MONDO:0010035, OMIM 270400.

Allele frequency attached by ClinVar (database versions not stated): gnomAD exomes below 0.00001.
gnomAD v4.1: 1 of 1,609,510 alleles (0.000062%); highest among the groups gnomAD compares: East Asian, 0.0022%; no homozygotes.

Submissions (3):

Labcorp Genetics (formerly Invitae), Labcorp
Classification: Uncertain significance for Smith-Lemli-Opitz syndrome. Last evaluated: 2024-10-28. Review status: criteria provided, single submitter. Criteria: Invitae Variant Classification Sherloc (09022015). Collection method: clinical testing. Allele origin: germline.
Comment: This sequence change replaces glycine, which is neutral and non-polar, with aspartic acid, which is acidic and polar, at codon 344 of the DHCR7 protein (p.Gly344Asp). This variant is present in population databases (no rsID available, gnomAD 0.003%). This missense change has been observed in individual(s) with holoprosencephaly (PMID: 15013448). ClinVar contains an entry for this variant (Variation ID: 856234). Invitae Evidence Modeling of protein sequence and biophysical properties (such as structural, functional, and spatial information, amino acid conservation, physicochemical variation, residue mobility, and thermodynamic stability) indicates that this missense variant is expected to disrupt DHCR7 protein function with a positive predictive value of 95%. Experimental studies have shown that this missense change affects DHCR7 function (PMID: 15013448). In summary, the available evidence is currently insufficient to determine the role of this variant in disease. Therefore, it has been classified as a Variant of Uncertain Significance.

Fulgent Genetics
Classification: Uncertain significance for Smith-Lemli-Opitz syndrome. Last evaluated: 2022-02-05. Review status: criteria provided, single submitter. Criteria: ACMG Guidelines, 2015. Collection method: clinical testing. Allele origin: unknown.

Natera, Inc.
Classification: Uncertain significance for Smith-Lemli-Opitz syndrome. Last evaluated: 2020-09-16. Review status: no assertion criteria provided. Collection method: clinical testing. Allele origin: germline. Not counted in ClinVar's aggregate classification.

Literature cited by the submitters: PubMed 15013448 (cited by Labcorp Genetics (formerly Invitae), Labcorp).